The following is an entry in ClinVar:

NM_005012.4(ROR1):c.702C>T (p.Tyr234=)

Gene: ROR1 (receptor tyrosine kinase like orphan receptor 1; plus strand). Cytogenetic location: 1p31.3.
Variant type: single nucleotide variant.
Coding change: c.702C>T on transcript NM_005012.4 (MANE Select); coding-DNA position 702, C replaced by T.
Protein change: p.Tyr234=; no amino-acid change (tyrosine 234 retained).
Molecular consequence: synonymous variant.
Genome position (GRCh38, 1-based): chr1:64,140,200, C>T. VCF-style: chr1-64140200-C-T. GRCh37 (hg19) VCF-style: chr1-64605883-C-T.
Other names: c.702C>T (NM_005012.3); c.702C>T, p.Tyr234= (NM_001083592.2).
Identifiers: ClinVar variation 2704403 (VCV002704403.5), dbSNP rs748338604, ClinGen allele CA890133.
Genomic context (GRCh38, chr1:64,140,200, plus strand): 5'-CTTATCTGATAAGTGTTCTCAGTTCGCCATTCCTTCCCTGTGCCACTATGCCTTCCCGTA[C>T]TGCGATGAAACTTCATCCGTCCCAAAGCCCCGTGACTTGTGTCGCGATGAATGTGAAATC-3'
Protein context (NP_005003.2, residues 224-244): IPSLCHYAFP[Tyr234=]CDETSSVPKP

ClinVar aggregate classification (germline): Likely benign. Review status: criteria provided, single submitter (1 of 4 stars). 2 submissions from 2 submitters: Likely benign (1). 1 of the submissions does not count toward it. Last evaluated 2023-09-21.

Conditions:
ROR1-related disorder. Also called: ROR1-related condition.

Allele frequency attached by ClinVar (database versions not stated): gnomAD 0.00002; gnomAD exomes 0.00002; TOPMed 0.00002; ExAC 0.00004.

Submissions (2):

Labcorp Genetics (formerly Invitae), Labcorp
Classification: Likely benign. Last evaluated: 2023-09-21. Review status: criteria provided, single submitter. Criteria: Invitae Variant Classification Sherloc (09022015). Collection method: clinical testing. Allele origin: germline.

PreventionGenetics, part of Exact Sciences
Classification: Likely benign for ROR1-related condition. Last evaluated: 2019-02-20. Review status: no assertion criteria provided. Collection method: clinical testing. Allele origin: germline. Not counted in ClinVar's aggregate classification.
Comment: This variant is classified as likely benign based on ACMG/AMP sequence variant interpretation guidelines (Richards et al. 2015 PMID: 25741868, with internal and published modifications).